The following is an entry in ClinVar:

NM_183235.3(RAB27A):c.245G>A (p.Arg82His)

Gene: RAB27A (RAB27A, member RAS oncogene family; minus strand). Cytogenetic location: 15q21.3.
Variant type: single nucleotide variant.
Coding change: c.245G>A on transcript NM_183235.3 (MANE Select); coding-DNA position 245, G replaced by A.
Protein change: p.Arg82His; replaces arginine 82 with histidine.
Molecular consequence: missense variant.
Genome position (GRCh38, 1-based): chr15:55,228,707, C>T on the plus strand (G>A on the coding strand, the complement: RAB27A is on the minus strand). VCF-style: chr15-55228707-C-T. GRCh37 (hg19) VCF-style: chr15-55520905-C-T.
Other names: c.245G>A, p.Arg82His (NM_183236.3, NM_004580.5, NM_183234.3); short protein forms R82H.
Identifiers: ClinVar variation 1017101 (VCV001017101.9), dbSNP rs140640177, ClinGen allele CA7573637.
Genomic context (GRCh38, chr15:55,228,707, plus strand): 5'-GTCAGATCAAAAAGTAGAAGAAAACCCATAGCATCTCTGAAGAACGCTGTCGTTAAGCTA[C>T]GAAACCTAGGAACATAAAAGCAGAATGGTCAGTTAAACCACGGCCCCACTCCTGAAATAT-3'
Protein context (NP_899058.1, residues 72-92): LWDTAGQERF[Arg82His]SLTTAFFRDA

ClinVar aggregate classification (germline): Conflicting classifications of pathogenicity. Review status: criteria provided, conflicting classifications (1 of 4 stars). 2 submissions from 2 submitters: Likely pathogenic (1); Uncertain significance (1). Last evaluated 2025-08-09.

Conditions:
Inborn genetic diseases. Identifiers: MedGen C0950123, MeSH D030342.
Griscelli syndrome type 2 (GS2). Also called: GRISCELLI SYNDROME WITH HEMOPHAGOCYTIC SYNDROME; PAID SYNDROME; PARTIAL ALBINISM AND IMMUNODEFICIENCY SYNDROME. Identifiers: Orphanet 381, Orphanet 79477, MedGen C1868679, MONDO:0011872, OMIM 607624.

Allele frequency attached by ClinVar (database versions not stated): gnomAD 0.00001; gnomAD exomes 0.00001; TOPMed 0.00001; ESP Exome Variant Server 0.00008.

Submissions (2):

Labcorp Genetics (formerly Invitae), Labcorp
Classification: Likely pathogenic for Griscelli syndrome type 2. Last evaluated: 2025-08-09. Review status: criteria provided, single submitter. Criteria: Invitae Variant Classification Sherloc (09022015). Collection method: clinical testing. Allele origin: germline.
Comment: This sequence change replaces arginine, which is basic and polar, with histidine, which is basic and polar, at codon 82 of the RAB27A protein (p.Arg82His). This variant is present in population databases (rs140640177, gnomAD 0.003%). This variant has not been reported in the literature in individuals affected with RAB27A-related conditions. ClinVar contains an entry for this variant (Variation ID: 1017101). Invitae Evidence Modeling of protein sequence and biophysical properties (such as structural, functional, and spatial information, amino acid conservation, physicochemical variation, residue mobility, and thermodynamic stability) indicates that this missense variant is expected to disrupt RAB27A protein function with a positive predictive value of 95%. This variant disrupts the p.Arg82 amino acid residue in RAB27A. Other variant(s) that disrupt this residue have been determined to be pathogenic (PMID: 27016801, 29357941, 32542393, 32856792, 32888943, 34329649; internal data). This suggests that this residue is clinically significant, and that variants that disrupt this residue are likely to be disease-causing. In summary, the currently available evidence indicates that the variant is pathogenic, but additional data are needed to prove that conclusively. Therefore, this variant has been classified as Likely Pathogenic.

Ambry Genetics
Classification: Uncertain significance for Inborn genetic diseases. Last evaluated: 2025-02-19. Review status: criteria provided, single submitter. Criteria: Ambry Variant Classification Scheme 2023. Collection method: clinical testing. Allele origin: germline.

Literature cited by the submitters: PubMed 27016801 (cited by Labcorp Genetics (formerly Invitae), Labcorp); PubMed 29357941 (cited by Labcorp Genetics (formerly Invitae), Labcorp); PubMed 32542393 (cited by Labcorp Genetics (formerly Invitae), Labcorp); PubMed 32856792 (cited by Labcorp Genetics (formerly Invitae), Labcorp); PubMed 32888943 (cited by Labcorp Genetics (formerly Invitae), Labcorp); PubMed 34329649 (cited by Labcorp Genetics (formerly Invitae), Labcorp).